The following is an entry in ClinVar:

ClinVar aggregate classification (germline): Pathogenic. Review status: criteria provided, multiple submitters, no conflicts (2 of 4 stars). 11 submissions from 11 submitters: Pathogenic (10). 1 of the submissions does not count toward it. Last evaluated 2026-04-16.

Conditions:
Hereditary cancer-predisposing syndrome. Also called: Hereditary neoplastic syndrome; Hereditary Cancer Syndrome; Neoplastic Syndromes, Hereditary; Tumor predisposition. Identifiers: Orphanet 140162, MedGen C0027672, MeSH D009386, MONDO:0015356.
Tuberous sclerosis syndrome (TSC). Also called: Tuberous Sclerosis Complex; Tuberous sclerosis. Identifiers: Orphanet 805, MedGen C0041341, MONDO:0001734.
Tuberous sclerosis 1 (TSC1). Identifiers: Orphanet 805, MedGen C1854465, MONDO:0008612, OMIM 191100.

Allele frequency attached by ClinVar (database versions not stated): gnomAD exomes below 0.00001.

Submissions (11):

GeneDx
Classification: Pathogenic. Last evaluated: 2026-04-16. Review status: criteria provided, single submitter. Criteria: GeneDx Variant Classification Process June 2021. Collection method: clinical testing. Allele origin: germline.
Comment: Frameshift variant predicted to result in protein truncation or nonsense mediated decay in a gene for which loss of function is a known mechanism of disease; This variant is associated with the following publications: (PMID: 16981987, 17304050, 32313033)

Department of Molecular Genetics, Istishari Arab Hospital
Classification: Pathogenic for Tuberous sclerosis 1. Last evaluated: 2025-11-03. Review status: criteria provided, single submitter. Criteria: ACMG Guidelines, 2015. Collection method: clinical testing. Allele origin: germline. Inheritance: Autosomal dominant inheritance. Affected: yes.
Comment: The TSC1 variant c.1959dup, p.Gln654Thrfs*34 creates a shift in the reading frame at position 654, introducing a premature stop codon 34 amino acids downstream. This is predicted to result in a loss or disruption of normal protein function through non-sense mediated decay (NMD) or protein truncation. This variant is observed at an extremely low frequency in the gnomAD v4.1.0 dataset (total allele frequency: <0.001%) and has previously been reported in the literature as disease-causing in patients with autosomal dominant Tuberous sclerosis-1 (PMID: 17304050, 16981987, 10227394). It is classified as pathogenic (class 1) according to the recommendations of ACMG/AMP/ClinGen SVI guidelines.

3billion
Classification: Pathogenic for Tuberous sclerosis 1. Last evaluated: 2025-10-23. Review status: criteria provided, single submitter. Criteria: ACMG Guidelines, 2015. Collection method: clinical testing. Allele origin: germline. Affected: yes.
Comment: The variant is observed at an extremely low frequency in the gnomAD v4.1.0 dataset (total allele frequency: <0.001%). Predicted Consequence/Location: Frameshift: predicted to result in a loss or disruption of normal protein function through nonsense-mediated decay (NMD) or protein truncation. Multiple pathogenic variants are reported downstream of the variant. The variant has been reported at least twice as pathogenic with clinical assertions and evidence for the classification (ClinVar ID: VCV000048857 /PMID: 16981987). Therefore, this variant is classified as Pathogenic according to the recommendation of ACMG/AMP guideline.

Institute of Immunology and Genetics Kaiserslautern
Classification: Pathogenic for Tuberous sclerosis 1. Last evaluated: 2025-09-02. Review status: criteria provided, single submitter. Criteria: ACMG Guidelines, 2015. Collection method: clinical testing. Allele origin: germline. Affected: yes.
Comment: ACMG Criteria: PVS1, PM1, PM2, PP5; Variant was found in heterozygous state.

Labcorp Genetics (formerly Invitae), Labcorp
Classification: Pathogenic for Tuberous sclerosis 1. Last evaluated: 2025-03-24. Review status: criteria provided, single submitter. Criteria: Invitae Variant Classification Sherloc (09022015). Collection method: clinical testing. Allele origin: germline.
Comment: This sequence change creates a premature translational stop signal (p.Gln654Thrfs*34) in the TSC1 gene. It is expected to result in an absent or disrupted protein product. Loss-of-function variants in TSC1 are known to be pathogenic (PMID: 10227394, 17304050). This variant is present in population databases (rs118203603, gnomAD 0.003%). This premature translational stop signal has been observed in individual(s) with tuberous sclerosis complex (PMID: 16981987, 21520333). ClinVar contains an entry for this variant (Variation ID: 48857). For these reasons, this variant has been classified as Pathogenic.

Ambry Genetics
Classification: Pathogenic for Hereditary cancer-predisposing syndrome. Last evaluated: 2025-02-27. Review status: criteria provided, single submitter. Criteria: Ambry Variant Classification Scheme 2023. Collection method: clinical testing. Allele origin: germline.
Comment: The c.1959dupA pathogenic mutation, located in coding exon 13 of the TSC1 gene, results from a duplication of A at nucleotide position 1959, causing a translational frameshift with a predicted alternate stop codon (p.Q654Tfs*34). This alteration is expected to result in loss of function by premature protein truncation or nonsense-mediated mRNA decay. As such, this alteration is interpreted as a disease-causing mutation.

MGZ Medical Genetics Center
Classification: Pathogenic for Tuberous sclerosis 1. Last evaluated: 2022-03-16. Review status: criteria provided, single submitter. Criteria: ACMG Guidelines, 2015. Collection method: clinical testing. Allele origin: germline. Affected: yes. Observed: 1 variant allele.
Comment: ACMG criteria applied: PVS1, PM2_SUP, PP4

Genome-Nilou Lab
Classification: Pathogenic for Tuberous sclerosis 1. Last evaluated: 2021-11-07. Review status: criteria provided, single submitter. Criteria: ACMG Guidelines, 2015. Collection method: clinical testing. Allele origin: germline. Affected: no.

Athena Diagnostics
Classification: Pathogenic for Tuberous sclerosis 1. Last evaluated: 2012-08-29. Review status: criteria provided, single submitter. Criteria: Athena Diagnostics Criteria. Collection method: clinical testing. Allele origin: germline. Inheritance: Autosomal dominant inheritance.

Juno Genomics, Hangzhou Juno Genomics, Inc
Classification: Pathogenic for Tuberous sclerosis 1. Review status: criteria provided, single submitter. Criteria: ACMG Guidelines, 2015. Collection method: clinical testing. Allele origin: germline. Affected: yes.
Comment: Absent from controls (or at extremely low frequency if recessive) in Genome Aggregation Database, Exome Sequencing Project, 1000 Genomes Project, or Exome Aggregation Consortium.;Null variant in a gene where loss of function (LOF) is a known mechanism of disease.;The prevalence of the variant in affected individuals is significantly increased compared to the prevalence in controls.;Patient's phenotype or family history is highly specific for a disease with a single genetic etiology.

Tuberous sclerosis database (TSC1)
No classification provided. Condition: TSC. Review status: no classification provided. Criteria: Tuberous Sclerosis Database Assertion Criteria 2015. Collection method: curation. Allele origin: germline. Affected: yes. Not counted in ClinVar's aggregate classification.

Literature cited by the submitters: PubMed 17304050 (cited by 3 submitters); PubMed 16981987 (cited by 4 submitters); PubMed 10227394 (cited by Department of Molecular Genetics, Istishari Arab Hospital and Labcorp Genetics (formerly Invitae), Labcorp); PubMed 21520333 (cited by Labcorp Genetics (formerly Invitae), Labcorp).

NM_000368.5(TSC1):c.1959dup (p.Gln654fs)

Gene: TSC1 (TSC complex subunit 1; minus strand). Cytogenetic location: 9q34.13.
Variant type: Duplication.
Coding change: c.1959dup on transcript NM_000368.5 (MANE Select); coding-DNA position 1959, one base duplicated (A; older notation c.1959dupA).
Protein change: p.Gln654fs; shifts the reading frame from glutamine 654.
Molecular consequence: frameshift variant.
Genome position (GRCh38, 1-based): chr9:132,905,619, T duplicated on the plus strand (A on the coding strand, the reverse complement: TSC1 is on the minus strand). VCF-style (leftmost placement, unchanged base first): chr9-132905618-G-GT. GRCh37 (hg19) VCF-style: chr9-135781005-G-GT.
Other names: p.Gln654Thrfs*34; c.1956dup, p.Gln653fs (NM_001162426.2); c.1806dup, p.Gln603fs (NM_001162427.2); c.1596dup, p.Gln533fs (NM_001362177.2); c.1959dupA (NM_000368.4); short protein forms Q653fs, Q654fs, Q533fs, Q603fs.
Identifiers: ClinVar variation 48857 (VCV000048857.21), dbSNP rs118203603, ClinGen allele CA262220.
Genomic context (GRCh38, chr9:132,905,618, plus strand): 5'-AAGAGAGTGCCCCAGTCCCTTACTTGTTCAGCTCCTTGCTGTGCGCGTCTGCTCCCTGCT[G>GT]TATCAGTCTGTCCAGCACTTCCATTGGGGAGGTAGAGGGCACACCATCTTCCTCTGTGTT-3'